The following is an entry in ClinVar:

NM_000179.3(MSH6):c.3649A>G (p.Arg1217Gly)

Gene: MSH6 (mutS homolog 6; plus strand). Cytogenetic location: 2p16.3.
Variant type: single nucleotide variant.
Coding change: c.3649A>G on transcript NM_000179.3 (MANE Select); coding-DNA position 3649, A replaced by G.
Protein change: p.Arg1217Gly; replaces arginine 1217 with glycine.
Molecular consequence: missense variant.
Genome position (GRCh38, 1-based): chr2:47,806,206, A>G. VCF-style: chr2-47806206-A-G. GRCh37 (hg19) VCF-style: chr2-48033345-A-G.
Other names: c.3259A>G, p.Arg1087Gly (NM_001281492.2); c.2743A>G, p.Arg915Gly (NM_001281493.2, NM_001281494.2); short protein forms R1217G, R915G, R1087G.
Identifiers: ClinVar variation 135842 (VCV000135842.36), dbSNP rs587780677, ClinGen allele CA013716.
Genomic context (GRCh38, chr2:47,806,206, plus strand): 5'-TTCCTTTTTTGTTTTAATTCCTTTGAGTTACTTCCTTATGCATATTTTACTTTAACAGGA[A>G]GAGGTACTGCAACATTTGATGGGACGGCAATAGCAAATGCAGTTGTTAAAGAACTTGCTG-3'
Protein context (NP_000170.1, residues 1207-1227): HSLVLVDELG[Arg1217Gly]GTATFDGTAI

ClinVar aggregate classification (germline): Conflicting classifications of pathogenicity. Review status: criteria provided, conflicting classifications (1 of 4 stars). 10 submissions from 10 submitters: Uncertain significance (9); Likely benign (1). Last evaluated 2026-02-03.

Conditions:
Hereditary nonpolyposis colorectal neoplasms. Identifiers: MedGen C0009405, MeSH D003123.
Hereditary cancer-predisposing syndrome. Also called: Tumor predisposition; Hereditary neoplastic syndrome; Neoplastic Syndromes, Hereditary; Hereditary Cancer Syndrome. Identifiers: Orphanet 140162, MedGen C0027672, MeSH D009386, MONDO:0015356.
Lynch syndrome. Identifiers: Orphanet 144, MedGen C4552100, MONDO:0005835. Disease mechanism: loss of function.
Endometrial carcinoma. Also called: Endometrial carcinoma, somatic. Identifiers: MedGen C0476089, MONDO:0002447, OMIM 608089, HP:0012114.

Allele frequency attached by ClinVar (database versions not stated): TOPMed below 0.00001; gnomAD 0.00001; gnomAD exomes 0.00003.
gnomAD v4.1: 51 of 1,613,880 alleles (0.0032%); highest among the groups gnomAD compares: Non-Finnish European, 0.0042%; no homozygotes.

Submissions (10):

Labcorp Genetics (formerly Invitae), Labcorp
Classification: Likely benign for Hereditary nonpolyposis colorectal neoplasms. Last evaluated: 2026-02-03. Review status: criteria provided, single submitter. Criteria: Invitae Variant Classification Sherloc (09022015). Collection method: clinical testing. Allele origin: germline.

Color Diagnostics, LLC DBA Color Health
Classification: Uncertain significance for Hereditary cancer-predisposing syndrome. Last evaluated: 2025-11-10. Review status: criteria provided, single submitter. Criteria: ACMG Guidelines, 2015. Collection method: clinical testing. Allele origin: germline.
Comment: This missense variant replaces arginine with glycine at codon 1217 of the MSH6 protein. Computational prediction suggests that this variant may have deleterious impact on protein structure and function. To our knowledge, functional studies have not been reported for this variant. This variant has been reported in individuals affected with colorectal adenocarcinoma, sebaceous neoplasms, and prostate cancer (PMID: 24556621, 27978560, 29333623, 32832836). This variant has been identified in 51/1613880 chromosomes in the general population by the Genome Aggregation Database (gnomAD). The available evidence is insufficient to determine the role of this variant in disease conclusively. Therefore, this variant is classified as a Variant of Uncertain Significance.

Quest Diagnostics Nichols Institute San Juan Capistrano
Classification: Uncertain significance. Last evaluated: 2025-10-22. Review status: criteria provided, single submitter. Criteria: Quest Diagnostics criteria. Collection method: clinical testing. Allele origin: unknown.
Comment: The MSH6 c.3649A>G (p.Arg1217Gly) variant has been reported in the published literature in an individual with early onset colorectal cancer (PMID: 27978560 (2016)), an individual with sebaceous neoplasms (PMID: 29333623 (2018)), and an individual with a personal and/or family history of prostate cancer (PMID: 24556621 (2014)). The frequency of this variant in the general population (Genome Aggregation Database) is uninformative in the assessment of its pathogenicity. Analysis of this variant using bioinformatics tools for the prediction of the effect of amino acid changes on protein structure and function yielded predictions that this variant is damaging. Based on the available information, we are unable to determine the clinical significance of this variant.

Institute for Biomarker Research, Medical Diagnostic Laboratories, L.L.C.
Classification: Uncertain significance for Hereditary cancer-predisposing syndrome. Last evaluated: 2025-05-27. Review status: criteria provided, single submitter. Criteria: ACMG Guidelines, 2015. Collection method: clinical testing. Allele origin: germline.
Comment: The missense variant NM_000179.3(MSH6):c.3649A>G (p.Arg1217Gly) has not been reported previously as a pathogenic variant nor as a benign variant, to our knowledge. TThere is a moderate physicochemical difference between arginine and glycine. 6 variants within 6 amino acid positions of the variant p.Arg1217Gly have been shown to be pathogenic, while none have been shown to be benign. The p.Arg1217Gly missense variant is predicted to be damaging by both SIFT and PolyPhen2. The arginine residue at codon 1217 of MSH6 is conserved in all mammalian species. The nucleotide c.3649 in MSH6 is predicted conserved by GERP++ and PhyloP across 100 vertebrates. For these reasons, this variant has been classified as Uncertain Significance.

Ambry Genetics
Classification: Uncertain significance for Hereditary cancer-predisposing syndrome. Last evaluated: 2025-03-29. Review status: criteria provided, single submitter. Criteria: Ambry Variant Classification Scheme 2023. Collection method: clinical testing. Allele origin: germline.
Comment: The p.R1217G variant (also known as c.3649A>G), located in coding exon 8 of the MSH6 gene, results from an A to G substitution at nucleotide position 3649. The arginine at codon 1217 is replaced by glycine, an amino acid with dissimilar properties. This has been identified in individuals with a personal and/or family history of prostate cancer (Leongamornlert D et al Br J Cancer. 2014 Mar 18;110(6):1663-72; Matejcic M et al. JCO Precis Oncol, 2020 Jan;4:32-43). This alteration has also been previously identified in an individual from a North American cohort of individuals with early onset colon cancer (Pearlman R et al. JAMA Oncol, 2017 Apr;3:464-471). This amino acid position is highly conserved in available vertebrate species. In addition, this alteration is predicted to be deleterious by in silico analysis. Since supporting evidence is limited at this time, the clinical significance of this alteration remains unclear.

All of Us Research Program, National Institutes of Health
Classification: Uncertain significance for Lynch syndrome. Last evaluated: 2024-05-30. Review status: criteria provided, single submitter. Criteria: ACMG Guidelines, 2015. Collection method: clinical testing. Allele origin: germline. Inheritance: Autosomal dominant inheritance. Observed: 6 variant alleles, 6 heterozygotes.
Comment: This missense variant replaces arginine with glycine at codon 1217 of the MSH6 protein. Computational prediction suggests that this variant may have deleterious impact on protein structure and function (internally defined REVEL score threshold >= 0.7, PMID: 27666373). To our knowledge, functional studies have not been reported for this variant. This variant has been reported in individuals affected with colorectal adenocarcinoma, sebaceous neoplasms, and prostate cancer in the literature (PMID: 24556621, 27978560, 29333623). This variant has been identified in 1/31404 chromosomes in the general population by the Genome Aggregation Database (gnomAD). The available evidence is insufficient to determine the role of this variant in disease conclusively. Therefore, this variant is classified as a Variant of Uncertain Significance.

This study involves interpretation of variants in research participants for the purpose of population health screening. Participant phenotype was not available at the time of variant classification. Additional details can be found in publication PMID: 35346344, PMCID: PMC8962531

Women's Health and Genetics/Laboratory Corporation of America, LabCorp
Classification: Uncertain significance. Last evaluated: 2023-11-27. Review status: criteria provided, single submitter. Criteria: LabCorp Variant Classification Summary - May 2015. Collection method: clinical testing. Allele origin: germline.
Comment: Variant summary: MSH6 c.3649A>G (p.Arg1217Gly) results in a non-conservative amino acid change located in the DNA mismatch repair protein Mut S, C-terminal domain (IPR000432) of the encoded protein sequence. Five of five in-silico tools predict a damaging effect of the variant on protein function. Consensus agreement among computation tools predict no significant impact on normal splicing. However, these predictions have yet to be confirmed by functional studies. The variant was absent in 251192 control chromosomes. The available data on variant occurrences in the general population are insufficient to allow any conclusion about variant significance. c.3649A>G has been reported in the literature in individuals affected with prostrate cancer (Leongamornlert_2014), colon cancer of cecum with proficient MMR status (Pearlman_2017), and sebaceous neoplasms with loss of MLH1 and PMS2 on tumor IHC and no significant family history (Schon_2018). These report(s) do not provide unequivocal conclusions about association of the variant with MSH6-associated Lynch syndrome. To our knowledge, no experimental evidence demonstrating an impact on protein function has been reported. The following publications have been ascertained in the context of this evaluation (PMID: 24556621, 27978560, 29333623). Five submitters have cited clinical-significance assessments for this variant to ClinVar after 2014, and all submitters classified the variant as uncertain significance. Based on the evidence outlined above, the variant was classified as uncertain significance.

Baylor Genetics
Classification: Uncertain significance for Endometrial carcinoma. Last evaluated: 2023-08-04. Review status: criteria provided, single submitter. Criteria: ACMG Guidelines, 2015. Collection method: clinical testing. Allele origin: unknown.

GeneDx
Classification: Uncertain significance. Last evaluated: 2023-06-06. Review status: criteria provided, single submitter. Criteria: GeneDx Variant Classification Process June 2021. Collection method: clinical testing. Allele origin: germline. Affected: yes.
Comment: Not observed at significant frequency in large population cohorts (gnomAD); In silico analysis supports that this missense variant has a deleterious effect on protein structure/function; Observed in individuals with sebaceous neoplasm, cecal, or prostate cancer (Leongamornlert et al., 2014; Pearlman et al., 2017; Schon et al., 2018; Matejcic et al., 2020); This variant is associated with the following publications: (PMID: 24556621, 27978560, 29596542, 29333623, 12019211, 17531815, 21120944, 32832836)

Laboratory for Molecular Medicine, Mass General Brigham Personalized Medicine
Classification: Uncertain significance. Last evaluated: 2016-08-12. Review status: criteria provided, single submitter. Criteria: LMM Criteria. Collection method: clinical testing. Allele origin: germline.
Comment: Variant identified in a genome or exome case(s) and assessed due to predicted null impact of the variant or pathogenic assertions in the literature or databases. Disclaimer: This variant has not undergone full assessment. The following are preliminary notes: Reported in 1 family with prostate cancer and demonstrated "partial" segregation (not sure what that means, but other uses of this term in the paper included examples of nonsegregation, ie affected individuals who did not carry the variant); ClinVar: 1 VUS

Literature cited by the submitters: PubMed 24556621 (cited by 5 submitters); PubMed 27978560 (cited by 5 submitters); PubMed 29333623 (cited by 4 submitters); PubMed 32832836 (cited by 3 submitters).